The following is an entry in ClinVar:

NM_001039141.3(TRIOBP):c.1195_1197del (p.Arg399del)

Gene: TRIOBP (TRIO and F-actin binding protein; plus strand). Cytogenetic location: 22q13.1.
Variant type: Deletion.
Coding change: c.1195_1197del on transcript NM_001039141.3 (MANE Select); coding-DNA positions 1195 to 1197, 3 bases deleted (CGA; older notation c.1195_1197delCGA).
Protein change: p.Arg399del; deletes arginine 399.
Genome position (GRCh38, 1-based): chr22:37,723,751-37,723,753, CGA deleted; deleting any 3 consecutive bases within chr22:37,723,750-37,723,753 gives the same sequence; the c. name uses the placement nearest the transcript's 3' end. VCF-style (leftmost placement, unchanged base first): chr22-37723749-AACG-A. GRCh37 (hg19) VCF-style: chr22-38119756-AACG-A.
Other names: short protein forms R399del.
Identifiers: ClinVar variation 3383540 (VCV003383540.1).

ClinVar aggregate classification (germline): Uncertain significance (1 of 4 stars; one submission).

Submission:

GeneDx
Classification: Uncertain significance. Last evaluated: 2024-05-29. Review status: criteria provided, single submitter. Criteria: GeneDx Variant Classification Process June 2021. Collection method: clinical testing. Allele origin: germline. Affected: yes.
Comment: Not observed at significant frequency in large population cohorts (gnomAD); In-frame deletion of 1 amino acid in a non-repeat region; In silico analysis indicates that this variant does not alter protein structure/function; Has not been previously published as pathogenic or benign to our knowledge